The following is an entry in ClinVar:

ClinVar aggregate classification (germline): Uncertain significance (0 of 4 stars; one submission).

Conditions:
PLXNA1-related disorder. Also called: PLXNA1-related condition.

Allele frequency attached by ClinVar (database versions not stated): gnomAD 0.00001; gnomAD exomes 0.00001; ExAC 0.00002; TOPMed 0.00002.
gnomAD v4.1: 22 of 1,613,566 alleles (0.0014%); highest among the groups gnomAD compares: Middle Eastern, 0.049%; no homozygotes.

Submission:

PreventionGenetics, part of Exact Sciences
Classification: Uncertain significance for PLXNA1-related condition. Last evaluated: 2024-06-17. Review status: no assertion criteria provided. Collection method: clinical testing. Allele origin: germline.
Comment: The PLXNA1 c.1964A>G variant is predicted to result in the amino acid substitution p.Asp655Gly. To our knowledge, this variant has not been reported in the literature. This variant is reported in 0.0027% of alleles in individuals of European (Non-Finnish) descent in gnomAD. At this time, the clinical significance of this variant is uncertain due to the absence of conclusive functional and genetic evidence.

NM_032242.4(PLXNA1):c.1964A>G (p.Asp655Gly)

Gene: PLXNA1 (plexin A1; plus strand). Cytogenetic location: 3q21.3.
Variant type: single nucleotide variant.
Coding change: c.1964A>G on transcript NM_032242.4 (MANE Select); coding-DNA position 1964, A replaced by G.
Protein change: p.Asp655Gly; replaces aspartic acid 655 with glycine.
Molecular consequence: missense variant.
Genome position (GRCh38, 1-based): chr3:127,006,145, A>G. VCF-style: chr3-127006145-A-G. GRCh37 (hg19) VCF-style: chr3-126724988-A-G.
Other names: short protein forms D655G.
Identifiers: ClinVar variation 2634594 (VCV002634594.3), dbSNP rs764817753, ClinGen allele CA2593442.